The following is an entry in ClinVar:

ClinVar aggregate classification (germline): Uncertain significance. Review status: criteria provided, multiple submitters, no conflicts (2 of 4 stars). 2 submissions from 2 submitters: Uncertain significance (2). Last evaluated 2025-08-20.

Conditions:
Inborn genetic diseases. Identifiers: MedGen C0950123, MeSH D030342.

Allele frequency attached by ClinVar (database versions not stated): TOPMed 0.00002; gnomAD 0.00003; ExAC 0.00005; ESP Exome Variant Server 0.00022.
gnomAD v4.1: 25 of 1,551,558 alleles (0.0016%); highest among the groups gnomAD compares: Non-Finnish European, 0.002%; no homozygotes.

Submissions (2):

Ambry Genetics
Classification: Uncertain significance for Inborn genetic diseases. Last evaluated: 2025-08-20. Review status: criteria provided, single submitter. Criteria: Ambry Variant Classification Scheme 2023. Collection method: clinical testing. Allele origin: germline.

Labcorp Genetics (formerly Invitae), Labcorp
Classification: Uncertain significance. Last evaluated: 2022-07-12. Review status: criteria provided, single submitter. Criteria: Invitae Variant Classification Sherloc (09022015). Collection method: clinical testing. Allele origin: germline.
Comment: In summary, the available evidence is currently insufficient to determine the role of this variant in disease. Therefore, it has been classified as a Variant of Uncertain Significance. Algorithms developed to predict the effect of sequence changes on RNA splicing suggest that this variant may create or strengthen a splice site. Algorithms developed to predict the effect of missense changes on protein structure and function are either unavailable or do not agree on the potential impact of this missense change (SIFT: "Not Available"; PolyPhen-2: "Probably Damaging"; Align-GVGD: "Not Available"). ClinVar contains an entry for this variant (Variation ID: 1438698). This variant has not been reported in the literature in individuals affected with UNC80-related conditions. This variant is present in population databases (rs370951034, gnomAD 0.007%). This sequence change replaces valine, which is neutral and non-polar, with leucine, which is neutral and non-polar, at codon 2606 of the UNC80 protein (p.Val2606Leu).

NM_001371986.1(UNC80):c.8014G>C (p.Val2672Leu)

Gene: UNC80 (unc-80 subunit of NALCN channel complex; plus strand). Cytogenetic location: 2q34.
Variant type: single nucleotide variant.
Coding change: c.8014G>C on transcript NM_001371986.1 (MANE Select); coding-DNA position 8014, G replaced by C.
Protein change: p.Val2672Leu; replaces valine 2672 with leucine.
Molecular consequence: missense variant.
Genome position (GRCh38, 1-based): chr2:209,969,775, G>C. VCF-style: chr2-209969775-G-C. GRCh37 (hg19) VCF-style: chr2-210834499-G-C.
Other names: c.7816G>C (NM_032504.1); c.7816G>C, p.Val2606Leu (NM_032504.2); c.7801G>C, p.Val2601Leu (NM_182587.4); short protein forms V2672L, V2601L, V2606L.
Identifiers: ClinVar variation 1438698 (VCV001438698.5), dbSNP rs370951034, ClinGen allele CA2083526.